The following is an entry in ClinVar:

NM_000089.4(COL1A2):c.1283C>T (p.Pro428Leu)

Gene: COL1A2 (collagen type I alpha 2 chain; plus strand). Cytogenetic location: 7q21.3.
Variant type: single nucleotide variant.
Coding change: c.1283C>T on transcript NM_000089.4 (MANE Select); coding-DNA position 1283, C replaced by T.
Protein change: p.Pro428Leu; replaces proline 428 with leucine.
Molecular consequence: missense variant.
Genome position (GRCh38, 1-based): chr7:94,411,087, C>T. VCF-style: chr7-94411087-C-T. GRCh37 (hg19) VCF-style: chr7-94040399-C-T.
Other names: short protein forms P428L.
Identifiers: ClinVar variation 3495240 (VCV003495240.1).

ClinVar aggregate classification (germline): Uncertain significance (1 of 4 stars; one submission).

Conditions:
Cardiovascular phenotype. Identifiers: MedGen CN230736.

gnomAD v4.1: 3 of 1,604,370 alleles (0.00019%); highest among the groups gnomAD compares: South Asian, 0.0022%; no homozygotes.

Submission:

Ambry Genetics
Classification: Uncertain significance for Cardiovascular phenotype. Last evaluated: 2024-08-01. Review status: criteria provided, single submitter. Criteria: Ambry Variant Classification Scheme 2023. Collection method: clinical testing. Allele origin: germline.
Comment: The p.P428L variant (also known as c.1283C>T), located in coding exon 23 of the COL1A2 gene, results from a C to T substitution at nucleotide position 1283. The proline at codon 428 is replaced by leucine, an amino acid with similar properties. This amino acid position is not well conserved in available vertebrate species. In addition, this alteration is predicted to be deleterious by in silico analysis. Based on the available evidence, the clinical significance of this variant remains unclear.